The following is an entry in ClinVar:

NM_006904.7(PRKDC):c.557C>G (p.Pro186Arg)

Gene: PRKDC (protein kinase, DNA-activated, catalytic subunit; minus strand). Cytogenetic location: 8q11.21.
Variant type: single nucleotide variant.
Coding change: c.557C>G on transcript NM_006904.7 (MANE Select); coding-DNA position 557, C replaced by G.
Protein change: p.Pro186Arg; replaces proline 186 with arginine.
Molecular consequence: missense variant.
Genome position (GRCh38, 1-based): chr8:47,953,871, G>C on the plus strand (C>G on the coding strand, the complement: PRKDC is on the minus strand). VCF-style: chr8-47953871-G-C. GRCh37 (hg19) VCF-style: chr8-48866431-G-C.
Other names: c.557C>G, p.Pro186Arg (NM_001081640.2); short protein forms P186R.
Identifiers: ClinVar variation 3425338 (VCV003425338.1).

ClinVar aggregate classification (germline): Uncertain significance (1 of 4 stars; one submission).

Submission:

Ambry Genetics
Classification: Uncertain significance. Last evaluated: 2024-09-18. Review status: criteria provided, single submitter. Criteria: Ambry Variant Classification Scheme 2023. Collection method: clinical testing. Allele origin: germline.
Comment: The p.P186R variant (also known as c.557C>G), located in coding exon 6 of the PRKDC gene, results from a C to G substitution at nucleotide position 557. The proline at codon 186 is replaced by arginine, an amino acid with dissimilar properties. This amino acid position is conserved. In addition, the in silico prediction for this alteration is inconclusive. Based on the available evidence, the clinical significance of this variant remains unclear.